The following is an entry in ClinVar:

ClinVar aggregate classification (germline): Likely benign. Review status: reviewed by expert panel (3 of 4 stars). 4 submissions from 4 submitters: Likely benign (1). 3 of the submissions do not count toward it. Last evaluated 2024-04-22.

Conditions:
Leber congenital amaurosis 2 (LCA2). Also called: AMAUROSIS CONGENITA OF LEBER II; Autosomal Recessive RPE65-Related Retinal Degeneration. Identifiers: Orphanet 65, MedGen C1859844, MONDO:0008765, OMIM 204100. Disease mechanism: loss of function.
Retinitis pigmentosa 20 (RP20). Identifiers: Orphanet 791, MedGen C3151086, MONDO:0013425, OMIM 613794.
RPE65-related recessive retinopathy. Also called: Recessive RPE65 retinopathy. Identifiers: MedGen CN305526, MONDO:0100368.
Leber congenital amaurosis (LCA). Also called: Leber's amaurosis. Identifiers: Orphanet 65, MedGen C0339527, MeSH D057130, MONDO:0018998.

Allele frequency attached by ClinVar (database versions not stated): gnomAD exomes below 0.00001; TOPMed below 0.00001.
gnomAD v4.1: 1 of 1,613,858 alleles (0.000062%); highest among the groups gnomAD compares: Middle Eastern, 0.017%; no homozygotes.

Submissions (4):

ClinGen Leber Congenital Amaurosis/early Onset Retinal Dystrophy Variant Curation Expert Panel, ClinGen
Classification: Likely benign for RPE65-related recessive retinopathy. Last evaluated: 2024-04-22. Review status: reviewed by expert panel. Criteria: ClinGen LCAeoRD ACMG Specifications RPE65 V1.0.0. Collection method: curation. Allele origin: germline. Inheritance: Autosomal recessive inheritance.
Comment: NM_000329.3(RPE65):c.1152C>G (p.Val384=) is a synonymous variant in exon 11. This variant is absent from gnomAD v.2.1.1 (PM2_Supporting). The splicing impact predictor SpliceAI gives a score of 0.02 for acceptor loss, which is below the ClinGen LCA / eoRD VCEP recommended threshold of <0.1 and does not predict an impact on splicing (BP4, BP7). In summary, this variant meets the criteria to be classified as likely benign for RPE65-related recessive retinopathy based on the ACMG/AMP criteria applied, as specified by the ClinGen LCA / eoRD VCEP: PM2_Supporting, BP4, and BP7. (VCEP specifications version 1.0.0; date of approval 09/21/2023).

Blueprint Genetics
Classification: Likely benign. Last evaluated: 2023-09-07. Review status: criteria provided, single submitter. Criteria: ACMG Guidelines, 2015. Collection method: clinical testing. Allele origin: germline. Not counted in ClinVar's aggregate classification.

Labcorp Genetics (formerly Invitae), Labcorp
Classification: Likely benign for Leber congenital amaurosis 2; Retinitis pigmentosa 20. Last evaluated: 2023-05-20. Review status: criteria provided, single submitter. Criteria: Invitae Variant Classification Sherloc (09022015). Collection method: clinical testing. Allele origin: germline. Not counted in ClinVar's aggregate classification.

Natera, Inc.
Classification: Uncertain significance for Leber congenital amaurosis. Last evaluated: 2020-03-11. Review status: no assertion criteria provided. Collection method: clinical testing. Allele origin: germline. Not counted in ClinVar's aggregate classification.

NM_000329.3(RPE65):c.1152C>G (p.Val384=)

Gene: RPE65 (retinoid isomerohydrolase RPE65; minus strand). Cytogenetic location: 1p31.3.
Variant type: single nucleotide variant.
Coding change: c.1152C>G on transcript NM_000329.3 (MANE Select); coding-DNA position 1152, C replaced by G.
Protein change: p.Val384=; no amino-acid change (valine 384 retained).
Molecular consequence: synonymous variant.
Genome position (GRCh38, 1-based): chr1:68,431,562, G>C on the plus strand (C>G on the coding strand, the complement: RPE65 is on the minus strand). VCF-style: chr1-68431562-G-C. GRCh37 (hg19) VCF-style: chr1-68897245-G-C.
Other names: NM_000329.3(RPE65):c.1152C>G; p.Val384=.
Identifiers: ClinVar variation 788201 (VCV000788201.13), dbSNP rs1571158917, ClinGen allele CA418278504.